The following is an entry in ClinVar:

ClinVar aggregate classification (germline): Uncertain significance. Review status: criteria provided, multiple submitters, no conflicts (2 of 4 stars). 6 submissions from 6 submitters: Uncertain significance (6). Last evaluated 2025-11-19.

Conditions:
FANCM-related disorder. Also called: FANCM-related condition.
Hereditary cancer-predisposing syndrome. Also called: Hereditary Cancer Syndrome; Hereditary neoplastic syndrome; Tumor predisposition; Neoplastic Syndromes, Hereditary. Identifiers: Orphanet 140162, MedGen C0027672, MeSH D009386, MONDO:0015356.
Spermatogenic failure 28. Identifiers: MedGen C4748117, MONDO:0054732, OMIM 618086.
Premature ovarian failure 15. Identifiers: MedGen C4748170, MONDO:0054862, OMIM 618096.
Fanconi anemia (FA). Also called: Fanconi's anemia. Identifiers: Orphanet 84, MedGen C0015625, MeSH D005199, MONDO:0019391.

Allele frequency attached by ClinVar (database versions not stated): ExAC 0.00010; gnomAD exomes 0.00010; 1000 Genomes Project 30x 0.00094; ESP Exome Variant Server 0.00008; gnomAD 0.00020; TOPMed 0.00024; 1000 Genomes Project 0.00080.

Submissions (6):

Labcorp Genetics (formerly Invitae), Labcorp
Classification: Uncertain significance for Fanconi anemia. Last evaluated: 2025-11-19. Review status: criteria provided, single submitter. Criteria: Invitae Variant Classification Sherloc (09022015). Collection method: clinical testing. Allele origin: germline.
Comment: This sequence change replaces methionine, which is neutral and non-polar, with isoleucine, which is neutral and non-polar, at codon 168 of the FANCM protein (p.Met168Ile). This variant is present in population databases (rs376316183, gnomAD 0.1%). This variant has not been reported in the literature in individuals affected with FANCM-related conditions. ClinVar contains an entry for this variant (Variation ID: 660299). An algorithm developed to predict the effect of missense changes on protein structure and function (PolyPhen-2) suggests that this variant is likely to be tolerated. In summary, the available evidence is currently insufficient to determine the role of this variant in disease. Therefore, it has been classified as a Variant of Uncertain Significance.

GeneDx
Classification: Uncertain significance. Last evaluated: 2025-02-24. Review status: criteria provided, single submitter. Criteria: GeneDx Variant Classification Process June 2021. Collection method: clinical testing. Allele origin: germline.
Comment: In silico analysis supports that this missense variant has a deleterious effect on protein structure/function; Observed in an individual with lung cancer (PMID: 26689913); This variant is associated with the following publications: (PMID: 26689913)

Quest Diagnostics Nichols Institute San Juan Capistrano
Classification: Uncertain significance. Last evaluated: 2024-05-07. Review status: criteria provided, single submitter. Criteria: Quest Diagnostics criteria. Collection method: clinical testing. Allele origin: unknown.
Comment: The FANCM c.504G>C (p.Met168Ile) variant has not been reported in individuals with FANCM-related conditions in the published literature. The frequency of this variant in the general population, 0.0011 (26/24694 chromosomes in African/African American subpopulation (Genome Aggregation Database)), is higher than would generally be expected for pathogenic variants in this gene. Analysis of this variant using bioinformatics tools for the prediction of the effect of amino acid changes on protein structure and function yielded conflicting predictions that this variant is benign or damaging. Based on the available information, we are unable to determine the clinical significance of this variant.

PreventionGenetics, part of Exact Sciences
Classification: Uncertain significance for FANCM-related condition. Last evaluated: 2022-11-06. Review status: criteria provided, single submitter. Criteria: ACMG Guidelines, 2015. Collection method: clinical testing. Allele origin: germline.
Comment: The FANCM c.504G>C variant is predicted to result in the amino acid substitution p.Met168Ile. To our knowledge, this variant has not been reported in the literature. This variant is reported in 0.11% of alleles in individuals of African descent in gnomAD and is interpreted as uncertain in ClinVar. At this time, the clinical significance of this variant is uncertain due to the absence of conclusive functional and genetic evidence.

Fulgent Genetics
Classification: Uncertain significance for Spermatogenic failure 28; Premature ovarian failure 15. Last evaluated: 2022-02-19. Review status: criteria provided, single submitter. Criteria: ACMG Guidelines, 2015. Collection method: clinical testing. Allele origin: unknown.

Sema4
Classification: Uncertain significance for Hereditary cancer-predisposing syndrome. Last evaluated: 2021-08-23. Review status: criteria provided, single submitter. Criteria: Sema4 Curation Guidelines. Collection method: curation. Allele origin: germline.
Comment: To the best of our knowledge, the FANCM c.504G>C (p.M168I) variant has not been reported in individuals with FANCM-related disease. This variant was observed in 26/24694 chromosomes in the African subpopulation, with no homozygotes, according to the Genome Aggregation Database (PMID: 32461654) and has been reported in ClinVar (Variation ID: 660299). In silico tools suggest the impact of the variant on protein function is benign, though these predictions have not been confirmed by functional studies. Based on the current evidence available, this variant is interpreted as a variant of uncertain significance.

NM_020937.4(FANCM):c.504G>C (p.Met168Ile)

Gene: FANCM (FA complementation group M; plus strand). Cytogenetic location: 14q21.2.
Variant type: single nucleotide variant.
Coding change: c.504G>C on transcript NM_020937.4 (MANE Select); coding-DNA position 504, G replaced by C.
Protein change: p.Met168Ile; replaces methionine 168 with isoleucine.
Molecular consequence: missense variant.
Genome position (GRCh38, 1-based): chr14:45,136,535, G>C. VCF-style: chr14-45136535-G-C. GRCh37 (hg19) VCF-style: chr14-45605738-G-C.
Other names: c.504G>C (NM_020937.3); c.504G>C, p.Met168Ile (NM_001308133.2, NM_001308134.2); short protein forms M168I.
Identifiers: ClinVar variation 660299 (VCV000660299.15), dbSNP rs376316183, ClinGen allele CA7168777.